The following is an entry in ClinVar:

ClinVar aggregate classification (germline): Uncertain significance (1 of 4 stars; one submission).

Submission:

Labcorp Genetics (formerly Invitae), Labcorp
Classification: Uncertain significance. Last evaluated: 2022-07-15. Review status: criteria provided, single submitter. Criteria: Invitae Variant Classification Sherloc (09022015). Collection method: clinical testing. Allele origin: germline.
Comment: In summary, the available evidence is currently insufficient to determine the role of this variant in disease. Therefore, it has been classified as a Variant of Uncertain Significance. This sequence change replaces alanine, which is neutral and non-polar, with valine, which is neutral and non-polar, at codon 10 of the GTPBP3 protein (p.Ala10Val). This variant is not present in population databases (gnomAD no frequency). This variant has not been reported in the literature in individuals affected with GTPBP3-related conditions. Algorithms developed to predict the effect of missense changes on protein structure and function (SIFT, PolyPhen-2, Align-GVGD) all suggest that this variant is likely to be tolerated.

NM_032620.4(GTPBP3):c.29C>T (p.Ala10Val)

Gene: GTPBP3 (GTP binding protein 3, mitochondrial; plus strand). Cytogenetic location: 19p13.11.
Variant type: single nucleotide variant.
Coding change: c.29C>T on transcript NM_032620.4 (MANE Select); coding-DNA position 29, C replaced by T.
Protein change: p.Ala10Val; replaces alanine 10 with valine.
Molecular consequence: missense variant. On other transcripts: intron variant (1).
Genome position (GRCh38, 1-based): chr19:17,337,640, C>T. VCF-style: chr19-17337640-C-T. GRCh37 (hg19) VCF-style: chr19-17448449-C-T.
Other names: c.29C>T, p.Ala10Val (NM_001128855.3, NM_133644.4); c.120-368C>T (NM_001195422.1); short protein forms A10V.
Identifiers: ClinVar variation 1713717 (VCV001713717.5), dbSNP rs2513201082, ClinGen allele CA404730479.